The following is an entry in ClinVar:

ClinVar aggregate classification (germline): Benign/Likely benign. Review status: criteria provided, multiple submitters, no conflicts (2 of 4 stars). 3 submissions from 3 submitters: Benign (1); Likely benign (2). Last evaluated 2025-07-31.

Conditions:
ADAMTS18-related disorder. Also called: ADAMTS18-related condition.

Allele frequency attached by ClinVar (database versions not stated): gnomAD 0.00001 and 0.00013; TOPMed 0.00001; gnomAD exomes 0.00041 and 0.00022; ExAC 0.00051; 1000 Genomes Project 30x 0.00078; 1000 Genomes Project 0.00080.
gnomAD v4.1: 339 of 1,614,172 alleles (0.021%); highest among the groups gnomAD compares: South Asian, 0.36%; 5 homozygotes.

Submissions (3):

PreventionGenetics, part of Exact Sciences
Classification: Likely benign for ADAMTS18-related condition. Last evaluated: 2025-07-31. Review status: criteria provided, single submitter. Criteria: ACMG Guidelines, 2015. Collection method: clinical testing. Allele origin: germline.
Comment: This variant is classified as likely benign based on ACMG/AMP sequence variant interpretation guidelines (Richards et al. 2015 PMID: 25741868, with internal and published modifications).

Labcorp Genetics (formerly Invitae), Labcorp
Classification: Likely benign. Last evaluated: 2025-05-30. Review status: criteria provided, single submitter. Criteria: Invitae Variant Classification Sherloc (09022015). Collection method: clinical testing. Allele origin: germline.

Blueprint Genetics
Classification: Benign. Last evaluated: 2024-10-23. Review status: criteria provided, single submitter. Criteria: ACMG Guidelines, 2015. Collection method: clinical testing. Allele origin: germline.

NM_199355.4(ADAMTS18):c.2902G>A (p.Glu968Lys)

Gene: ADAMTS18 (ADAM metallopeptidase with thrombospondin type 1 motif 18; minus strand). Cytogenetic location: 16q23.1.
Variant type: single nucleotide variant.
Coding change: c.2902G>A on transcript NM_199355.4 (MANE Select); coding-DNA position 2902, G replaced by A.
Protein change: p.Glu968Lys; replaces glutamic acid 968 with lysine.
Molecular consequence: missense variant.
Genome position (GRCh38, 1-based): chr16:77,295,027, C>T on the plus strand (G>A on the coding strand, the complement: ADAMTS18 is on the minus strand). VCF-style: chr16-77295027-C-T. GRCh37 (hg19) VCF-style: chr16-77328924-C-T.
Other names: c.2902G>A (NM_199355.3); c.2386G>A, p.Glu796Lys (NM_001326358.2); short protein forms E796K, E968K.
Identifiers: ClinVar variation 1101860 (VCV001101860.11), dbSNP rs557578112, ClinGen allele CA8180701.